The following is an entry in ClinVar:

ClinVar aggregate classification (germline): Uncertain significance (1 of 4 stars; one submission).

Conditions:
Early-infantile DEE. Also called: Early infantile epileptic encephalopathy; Ohtahara syndrome; Early infantile epileptic encephalopathy with suppression bursts. Identifiers: Orphanet 1934, MedGen C0393706, MONDO:0800491.

Allele frequency attached by ClinVar (database versions not stated): gnomAD 0.00001; gnomAD exomes 0.00001; TOPMed 0.00001.
gnomAD v4.1: 7 of 1,613,872 alleles (0.00043%); highest among the groups gnomAD compares: East Asian, 0.0067%; no homozygotes.

Submission:

Labcorp Genetics (formerly Invitae), Labcorp
Classification: Uncertain significance for Early-infantile DEE. Last evaluated: 2025-03-23. Review status: criteria provided, single submitter. Criteria: Invitae Variant Classification Sherloc (09022015). Collection method: clinical testing. Allele origin: germline.
Comment: This sequence change replaces threonine, which is neutral and polar, with methionine, which is neutral and non-polar, at codon 2382 of the SPTAN1 protein (p.Thr2382Met). This variant is present in population databases (rs796053331, gnomAD 0.01%). This variant has not been reported in the literature in individuals affected with SPTAN1-related conditions. ClinVar contains an entry for this variant (Variation ID: 207363). Invitae Evidence Modeling of protein sequence and biophysical properties (such as structural, functional, and spatial information, amino acid conservation, physicochemical variation, residue mobility, and thermodynamic stability) has been performed for this missense variant. However, the output from this modeling did not meet the statistical confidence thresholds required to predict the impact of this variant on SPTAN1 protein function. In summary, the available evidence is currently insufficient to determine the role of this variant in disease. Therefore, it has been classified as a Variant of Uncertain Significance.

NM_001130438.3(SPTAN1):c.7145C>T (p.Thr2382Met)

Gene: SPTAN1 (spectrin alpha, non-erythrocytic 1; plus strand). Cytogenetic location: 9q34.11.
Variant type: single nucleotide variant.
Coding change: c.7145C>T on transcript NM_001130438.3 (MANE Select); coding-DNA position 7145, C replaced by T.
Protein change: p.Thr2382Met; replaces threonine 2382 with methionine.
Molecular consequence: missense variant.
Genome position (GRCh38, 1-based): chr9:128,632,703, C>T. VCF-style: chr9-128632703-C-T. GRCh37 (hg19) VCF-style: chr9-131394982-C-T.
Other names: c.7070C>T, p.Thr2357Met (NM_001195532.2); c.7208C>T, p.Thr2403Met (NM_001363759.2); c.7085C>T, p.Thr2362Met (NM_001363765.2); c.7130C>T, p.Thr2377Met (NM_003127.4); short protein forms T2382M, T2403M, T2357M, T2377M, T2362M.
Identifiers: ClinVar variation 207363 (VCV000207363.9), dbSNP rs796053331, ClinGen allele CA318755.
Genomic context (GRCh38, chr9:128,632,703, plus strand): 5'-ATGACCTGCCCATGGTGGAGGAAGGGGAACCTGACCCTGAGTTCGAGGCAATCCTGGACA[C>T]GGTGGATCCGAACAGGTAAATTAATTAAGGCCAGGTGCTGTGAGCCTCTGCCCGGGGCAC-3'
Protein context (NP_001123910.1, residues 2372-2392): PDPEFEAILD[Thr2382Met]VDPNRDGHVS